The following is an entry in ClinVar:

NM_000277.3(PAH):c.791A>G (p.His264Arg)

Gene: PAH (phenylalanine hydroxylase; minus strand). Cytogenetic location: 12q23.2.
Variant type: single nucleotide variant.
Coding change: c.791A>G on transcript NM_000277.3 (MANE Select); coding-DNA position 791, A replaced by G.
Protein change: p.His264Arg; replaces histidine 264 with arginine.
Molecular consequence: missense variant.
Genome position (GRCh38, 1-based): chr12:102,852,866, T>C on the plus strand (A>G on the coding strand, the complement: PAH is on the minus strand). VCF-style: chr12-102852866-T-C. GRCh37 (hg19) VCF-style: chr12-103246644-T-C.
Other names: c.791A>G, p.His264Arg (NM_001354304.2); short protein forms H264R.
Identifiers: ClinVar variation 952467 (VCV000952467.8), dbSNP rs199475580, ClinGen allele CA386295372.
Genomic context (GRCh38, chr12:102,852,866, plus strand): 5'-AGTACTCACGGTTCGGGGGTATACATGGGCTTGGATCCATGTCTGATGTACTGTGTGCAG[T>C]GGAAGACTCGGAAGGCCAGGCCACCCAAGAAATCCCGAGAGGAAAGCAGGCCAGCCACAG-3'
Protein context (NP_000268.1, residues 254-274): FLGGLAFRVF[His264Arg]CTQYIRHGSK

ClinVar aggregate classification (germline): Uncertain significance (1 of 4 stars; one submission).

Conditions:
Phenylketonuria (PKU). Also called: OLIGOPHRENIA PHENYLPYRUVICA; Phenylketonuria (PKU); Phenylketonurias; FOLLING DISEASE. Identifiers: Orphanet 716, MedGen C0031485, MONDO:0009861, OMIM 261600. Disease mechanism: loss of function.

Submission:

Labcorp Genetics (formerly Invitae), Labcorp
Classification: Uncertain significance for Phenylketonuria. Last evaluated: 2019-06-14. Review status: criteria provided, single submitter. Criteria: Invitae Variant Classification Sherloc (09022015). Collection method: clinical testing. Allele origin: germline.
Comment: In summary, the available evidence is currently insufficient to determine the role of this variant in disease. Therefore, it has been classified as a Variant of Uncertain Significance. Algorithms developed to predict the effect of missense changes on protein structure and function are either unavailable or do not agree on the potential impact of this missense change (SIFT: "Deleterious"; PolyPhen-2: "Probably Damaging"; Align-GVGD: "Class C25"). This variant is not present in population databases (ExAC no frequency). This sequence change replaces histidine with arginine at codon 264 of the PAH protein (p.His264Arg). The histidine residue is highly conserved and there is a small physicochemical difference between histidine and arginine.